The following is an entry in ClinVar:

NM_017950.4(CCDC40):c.1739A>G (p.Gln580Arg)

Gene: CCDC40 (coiled-coil domain 40 molecular ruler complex subunit; plus strand). Cytogenetic location: 17q25.3.
Variant type: single nucleotide variant.
Coding change: c.1739A>G on transcript NM_017950.4 (MANE Select); coding-DNA position 1739, A replaced by G.
Protein change: p.Gln580Arg; replaces glutamine 580 with arginine.
Molecular consequence: missense variant.
Genome position (GRCh38, 1-based): chr17:80,081,722, A>G. VCF-style: chr17-80081722-A-G. GRCh37 (hg19) VCF-style: chr17-78055521-A-G.
Other names: c.1739A>G, p.Gln580Arg (NM_001243342.2); short protein forms Q580R.
Identifiers: ClinVar variation 325734 (VCV000325734.23), dbSNP rs200815406, ClinGen allele CA8814006.

ClinVar aggregate classification (germline): Conflicting classifications of pathogenicity. Review status: criteria provided, conflicting classifications (1 of 4 stars). 5 submissions from 5 submitters: Uncertain significance (1); Benign (1); Likely benign (2). 1 of the submissions does not count toward it. Last evaluated 2026-02-01.

Conditions:
CCDC40-related disorder. Also called: CCDC40-related condition.
Primary ciliary dyskinesia. Also called: Ciliary dyskinesia. Identifiers: Orphanet 244, MedGen C0008780, MONDO:0016575, HP:0012265.
Primary ciliary dyskinesia 15. Also called: CILIARY DYSKINESIA, PRIMARY, 15, WITH OR WITHOUT SITUS INVERSUS. Identifiers: Orphanet 244, MedGen C3151137, MONDO:0013435, OMIM 613808.

Allele frequency attached by ClinVar (database versions not stated): gnomAD exomes 0.00016 and 0.00044; ExAC 0.00049; ESP Exome Variant Server 0.00135; gnomAD 0.00188 and 0.00200; TOPMed 0.00213; 1000 Genomes Project 0.00300; 1000 Genomes Project 30x 0.00312.
gnomAD v4.1: 534 of 1,614,150 alleles (0.033%); highest among the groups gnomAD compares: African/African-American, 0.66%; 2 homozygotes.

Submissions (5):

CeGaT Center for Human Genetics Tuebingen
Classification: Likely benign. Last evaluated: 2026-02-01. Review status: criteria provided, single submitter. Criteria: CeGaT Center For Human Genetics Tuebingen Variant Classification Criteria Version 2. Collection method: clinical testing. Allele origin: germline. Affected: yes. Observed: 1 variant allele.
Comment: CCDC40: BP4

Labcorp Genetics (formerly Invitae), Labcorp
Classification: Likely benign for Primary ciliary dyskinesia. Last evaluated: 2026-01-16. Review status: criteria provided, single submitter. Criteria: Invitae Variant Classification Sherloc (09022015). Collection method: clinical testing. Allele origin: germline.

Illumina Laboratory Services, Illumina
Classification: Uncertain significance for Primary ciliary dyskinesia 15. Last evaluated: 2018-01-12. Review status: criteria provided, single submitter. Criteria: ICSL Variant Classification Criteria 13 December 2019. Collection method: clinical testing. Allele origin: germline.

Ambry Genetics
Classification: Benign for Primary ciliary dyskinesia. Last evaluated: 2017-03-13. Review status: criteria provided, single submitter. Criteria: Ambry Variant Classification Scheme 2023. Collection method: clinical testing. Allele origin: germline.

PreventionGenetics, part of Exact Sciences
Classification: Likely benign for CCDC40-related condition. Last evaluated: 2021-08-18. Review status: no assertion criteria provided. Collection method: clinical testing. Allele origin: germline. Not counted in ClinVar's aggregate classification.
Comment: This variant is classified as likely benign based on ACMG/AMP sequence variant interpretation guidelines (Richards et al. 2015 PMID: 25741868, with internal and published modifications).